The following is an entry in ClinVar:

ClinVar aggregate classification (germline): Uncertain significance (1 of 4 stars; one submission).

Submission:

Ambry Genetics
Classification: Uncertain significance. Last evaluated: 2024-11-28. Review status: criteria provided, single submitter. Criteria: Ambry Variant Classification Scheme 2023. Collection method: clinical testing. Allele origin: germline.
Comment: The p.R544P variant (also known as c.1631G>C), located in coding exon 1 of the TET2 gene, results from a G to C substitution at nucleotide position 1631. The arginine at codon 544 is replaced by proline, an amino acid with dissimilar properties. This amino acid position is conserved. In addition, this alteration is predicted to be tolerated by in silico analysis. Based on the available evidence, the clinical significance of this variant remains unclear.

NM_001127208.3(TET2):c.1631G>C (p.Arg544Pro)

Genes: TET2 (tet methylcytosine dioxygenase 2; plus strand), TET2-AS1 (TET2 antisense RNA 1; minus strand). Cytogenetic location: 4q24.
Variant type: single nucleotide variant.
Coding change: c.1631G>C on transcript NM_001127208.3 (MANE Select); coding-DNA position 1631, G replaced by C.
Protein change: p.Arg544Pro; replaces arginine 544 with proline.
Molecular consequence: missense variant.
Genome position (GRCh38, 1-based): chr4:105,235,573, G>C. VCF-style: chr4-105235573-G-C. GRCh37 (hg19) VCF-style: chr4-106156730-G-C.
Other names: c.1631G>C, p.Arg544Pro (NM_017628.4); short protein forms R544P.
Identifiers: ClinVar variation 3455344 (VCV003455344.1).